The following is an entry in ClinVar:

NM_015214.3(DDHD2):c.241G>A (p.Val81Ile)

Gene: DDHD2 (DDHD domain containing 2; plus strand). Cytogenetic location: 8p11.23.
Variant type: single nucleotide variant.
Coding change: c.241G>A on transcript NM_015214.3 (MANE Select); coding-DNA position 241, G replaced by A.
Protein change: p.Val81Ile; replaces valine 81 with isoleucine.
Molecular consequence: missense variant. On other transcripts: non-coding transcript variant (2).
Genome position (GRCh38, 1-based): chr8:38,234,414, G>A. VCF-style: chr8-38234414-G-A. GRCh37 (hg19) VCF-style: chr8-38091932-G-A.
Other names: c.241G>A, p.Val81Ile (NM_001164232.2, NM_001164234.2, NM_001362911.2 and 3 more transcripts); short protein forms V81I.
Identifiers: ClinVar variation 1438737 (VCV001438737.8), dbSNP rs1804537899, ClinGen allele CA370711754.

ClinVar aggregate classification (germline): Uncertain significance (1 of 4 stars; one submission).

Conditions:
Hereditary spastic paraplegia 54. Also called: Spastic paraplegia 54, autosomal recessive. Identifiers: Orphanet 320380, MedGen C3539495, MONDO:0014018, OMIM 615033.

Submission:

Labcorp Genetics (formerly Invitae), Labcorp
Classification: Uncertain significance for Hereditary spastic paraplegia 54. Last evaluated: 2021-12-02. Review status: criteria provided, single submitter. Criteria: Invitae Variant Classification Sherloc (09022015). Collection method: clinical testing. Allele origin: germline.
Comment: This variant has not been reported in the literature in individuals affected with DDHD2-related conditions. Algorithms developed to predict the effect of missense changes on protein structure and function output the following: SIFT: "Tolerated"; PolyPhen-2: "Benign"; Align-GVGD: "Class C0". The isoleucine amino acid residue is found in multiple mammalian species, which suggests that this missense change does not adversely affect protein function. In summary, the available evidence is currently insufficient to determine the role of this variant in disease. Therefore, it has been classified as a Variant of Uncertain Significance. This variant is not present in population databases (gnomAD no frequency). This sequence change replaces valine, which is neutral and non-polar, with isoleucine, which is neutral and non-polar, at codon 81 of the DDHD2 protein (p.Val81Ile).